The following is an entry in ClinVar:

NM_000448.3(RAG1):c.875C>T (p.Ser292Phe)

Gene: RAG1 (recombination activating 1; plus strand). Cytogenetic location: 11p12.
Variant type: single nucleotide variant.
Coding change: c.875C>T on transcript NM_000448.3 (MANE Select); coding-DNA position 875, C replaced by T.
Protein change: p.Ser292Phe; replaces serine 292 with phenylalanine.
Molecular consequence: missense variant.
Genome position (GRCh38, 1-based): chr11:36,574,179, C>T. VCF-style: chr11-36574179-C-T. GRCh37 (hg19) VCF-style: chr11-36595729-C-T.
Other names: c.875C>T, p.Ser292Phe (NM_001377277.1, NM_001377278.1, NM_001377279.1 and 1 more transcripts); short protein forms S292F.
Identifiers: ClinVar variation 1394051 (VCV001394051.8), dbSNP rs1225342881, ClinGen allele CA380150268.
Genomic context (GRCh38, chr11:36,574,179, plus strand): 5'-TACATCTTAGTACCAAGCTCCTTGCAGTGGACTTCCCAGAGCACTTTGTGAAATCCATCT[C>T]CTGCCAGATCTGTGAACACATTCTGGCTGACCCTGTGGAGACCAACTGTAAGCATGTCTT-3'
Protein context (NP_000439.2, residues 282-302): DFPEHFVKSI[Ser292Phe]CQICEHILAD

ClinVar aggregate classification (germline): Uncertain significance (1 of 4 stars; one submission).

Conditions:
Combined immunodeficiency with skin granulomas. Identifiers: Orphanet 157949, MedGen C2673536, MONDO:0009306, OMIM 233650.
Severe combined immunodeficiency, autosomal recessive, T cell-negative, B cell-negative, NK cell-positive. Also called: SCID, AR, T-cell negative, B-cell negative, NK cell-positive; Severe combined immunodeficiency due to complete RAG1/2 deficiency; SCID, T CELL-NEGATIVE, B CELL-NEGATIVE, NK CELL-POSITIVE. Identifiers: Orphanet 331206, MedGen C1832322, MONDO:0011086, OMIM 601457.

Allele frequency attached by ClinVar (database versions not stated): gnomAD 0.00001; TOPMed 0.00002.
gnomAD v4.1: 3 of 1,614,064 alleles (0.00019%); highest among the groups gnomAD compares: African/African-American, 0.0027%; no homozygotes.

Submission:

Labcorp Genetics (formerly Invitae), Labcorp
Classification: Uncertain significance for Combined immunodeficiency with skin granulomas; Severe combined immunodeficiency, autosomal recessive, T cell-negative, B cell-negative, NK cell-positive. Last evaluated: 2022-02-09. Review status: criteria provided, single submitter. Criteria: Invitae Variant Classification Sherloc (09022015). Collection method: clinical testing. Allele origin: germline.
Comment: This sequence change replaces serine, which is neutral and polar, with phenylalanine, which is neutral and non-polar, at codon 292 of the RAG1 protein (p.Ser292Phe). In summary, the available evidence is currently insufficient to determine the role of this variant in disease. Therefore, it has been classified as a Variant of Uncertain Significance. Advanced modeling of protein sequence and biophysical properties (such as structural, functional, and spatial information, amino acid conservation, physicochemical variation, residue mobility, and thermodynamic stability) performed at Invitae indicates that this missense variant is expected to disrupt RAG1 protein function. This variant has not been reported in the literature in individuals affected with RAG1-related conditions. This variant is present in population databases (no rsID available, gnomAD 0.01%).